The following is an entry in ClinVar:

NM_172107.4(KCNQ2):c.-42G>T

Gene: KCNQ2 (potassium voltage-gated channel subfamily Q member 2; minus strand). Cytogenetic location: 20q13.33.
Variant type: single nucleotide variant.
Coding change: c.-42G>T on transcript NM_172107.4 (MANE Select); 42 bases upstream of the start codon, G replaced by T.
Molecular consequence: 5 prime UTR variant.
Genome position (GRCh38, 1-based): chr20:63,472,505, C>A on the plus strand (G>T on the coding strand, the complement: KCNQ2 is on the minus strand). VCF-style: chr20-63472505-C-A. GRCh37 (hg19) VCF-style: chr20-62103858-C-A.
Other names: c.-42G>T (NM_004518.6, NM_172106.3, NM_172108.5 and 1 more transcripts).
Identifiers: ClinVar variation 138036 (VCV000138036.2), dbSNP rs577705653, ClinGen allele CA291824.

ClinVar aggregate classification (germline): Likely benign. Review status: criteria provided, multiple submitters, no conflicts (2 of 4 stars). 2 submissions from 2 submitters: Likely benign (2). Last evaluated 2013-07-26.

Allele frequency attached by ClinVar (database versions not stated): 1000 Genomes Project 30x 0.00219; 1000 Genomes Project 0.00220; TOPMed 0.00225; ExAC 0.00951.
gnomAD v4.1: 5,177 of 1,389,756 alleles (0.37%); highest among the groups gnomAD compares: Middle Eastern, 1.2%; 20 homozygotes.

Submissions (2):

GeneDx
Classification: Likely benign. Last evaluated: 2013-07-26. Review status: criteria provided, single submitter. Criteria: GeneDx Variant Classification (06012015). Collection method: clinical testing. Allele origin: germline. Affected: yes.
Comment: The variant is found in EPILEPSY,INFANT-EPI panel(s).

Breakthrough Genomics
Classification: Likely benign. Review status: criteria provided, single submitter. Criteria: ACMG Guidelines, 2015. Collection method: not provided. Allele origin: germline. Inheritance: Autosomal dominant inheritance. Affected: yes.